The following is an entry in ClinVar:

ClinVar aggregate classification (germline): Uncertain significance. Review status: criteria provided, multiple submitters, no conflicts (2 of 4 stars). 2 submissions from 2 submitters: Uncertain significance (2). Last evaluated 2025-11-24.

Conditions:
Inborn genetic diseases. Identifiers: MedGen C0950123, MeSH D030342.
Epidermodysplasia verruciformis. Identifiers: Orphanet 302, MedGen C0014522, MONDO:0009176.

gnomAD v4.1: 5 of 1,613,158 alleles (0.00031%); highest among the groups gnomAD compares: Admixed American, 0.0083%; no homozygotes.

Submissions (2):

Ambry Genetics
Classification: Uncertain significance for Inborn genetic diseases. Last evaluated: 2025-11-24. Review status: criteria provided, single submitter. Criteria: Ambry Variant Classification Scheme 2023. Collection method: clinical testing. Allele origin: germline.

Labcorp Genetics (formerly Invitae), Labcorp
Classification: Uncertain significance for Epidermodysplasia verruciformis. Last evaluated: 2022-06-27. Review status: criteria provided, single submitter. Criteria: Invitae Variant Classification Sherloc (09022015). Collection method: clinical testing. Allele origin: germline.
Comment: This sequence change replaces glycine, which is neutral and non-polar, with serine, which is neutral and polar, at codon 19 of the TMC6 protein (p.Gly19Ser). This variant is not present in population databases (gnomAD no frequency). This variant has not been reported in the literature in individuals affected with TMC6-related conditions. Algorithms developed to predict the effect of missense changes on protein structure and function output the following: SIFT: "Not Available"; PolyPhen-2: "Benign"; Align-GVGD: "Not Available". The serine amino acid residue is found in multiple mammalian species, which suggests that this missense change does not adversely affect protein function. In summary, the available evidence is currently insufficient to determine the role of this variant in disease. Therefore, it has been classified as a Variant of Uncertain Significance.

NM_001127198.5(TMC6):c.55G>A (p.Gly19Ser)

Gene: TMC6 (transmembrane channel like 6; minus strand). Cytogenetic location: 17q25.3.
Variant type: single nucleotide variant.
Coding change: c.55G>A on transcript NM_001127198.5 (MANE Select); coding-DNA position 55, G replaced by A.
Protein change: p.Gly19Ser; replaces glycine 19 with serine.
Molecular consequence: missense variant. On other transcripts: non-coding transcript variant (4).
Genome position (GRCh38, 1-based): chr17:78,126,778, C>T on the plus strand (G>A on the coding strand, the complement: TMC6 is on the minus strand). VCF-style: chr17-78126778-C-T. GRCh37 (hg19) VCF-style: chr17-76122859-C-T.
Other names: c.55G>A, p.Gly19Ser (NM_001321185.1, NM_001374593.1, NM_001374594.1 and 4 more transcripts); c.55G>A (NM_007267.6); short protein forms G19S.
Identifiers: ClinVar variation 1473237 (VCV001473237.6), dbSNP rs1236303263, ClinGen allele CA401237077.